The following is an entry in ClinVar:

ClinVar aggregate classification (germline): Pathogenic/Likely pathogenic. Review status: criteria provided, multiple submitters, no conflicts (2 of 4 stars). 2 submissions from 2 submitters: Pathogenic (1); Likely pathogenic (1). Last evaluated 2025-04-16.

Conditions:
P3H2-related disorders.

Allele frequency attached by ClinVar (database versions not stated): gnomAD exomes below 0.00001.
gnomAD v4.1: 10 of 1,613,492 alleles (0.00062%); highest among the groups gnomAD compares: Admixed American, 0.0017%; no homozygotes.

Submissions (2):

Labcorp Genetics (formerly Invitae), Labcorp
Classification: Pathogenic. Last evaluated: 2025-04-16. Review status: criteria provided, single submitter. Criteria: Invitae Variant Classification Sherloc (09022015). Collection method: clinical testing. Allele origin: germline.
Comment: This sequence change creates a premature translational stop signal (p.Arg539*) in the P3H2 gene. It is expected to result in an absent or disrupted protein product. Loss-of-function variants in P3H2 are known to be pathogenic (PMID: 24172257, 25469533). This variant is present in population databases (no rsID available, gnomAD 0.003%). This variant has not been reported in the literature in individuals affected with P3H2-related conditions. ClinVar contains an entry for this variant (Variation ID: 1073361). Algorithms developed to predict the effect of sequence changes on RNA splicing suggest that this variant may disrupt the consensus splice site. For these reasons, this variant has been classified as Pathogenic.

Blueprint Genetics
Classification: Likely pathogenic for P3H2-related disorders. Last evaluated: 2023-12-27. Review status: criteria provided, single submitter. Criteria: ACMG Guidelines, 2015. Collection method: clinical testing. Allele origin: germline. Affected: yes. Observed: 1 variant allele.

Literature cited by the submitters: PubMed 24172257 (cited by Labcorp Genetics (formerly Invitae), Labcorp); PubMed 25469533 (cited by Labcorp Genetics (formerly Invitae), Labcorp).

NM_018192.4(P3H2):c.1615C>T (p.Arg539Ter)

Gene: P3H2 (prolyl 3-hydroxylase 2; minus strand). Cytogenetic location: 3q28.
Variant type: single nucleotide variant.
Coding change: c.1615C>T on transcript NM_018192.4 (MANE Select); coding-DNA position 1615, C replaced by T.
Protein change: p.Arg539Ter; replaces arginine 539 with a stop codon.
Molecular consequence: nonsense.
Genome position (GRCh38, 1-based): chr3:189,972,958, G>A on the plus strand (C>T on the coding strand, the complement: P3H2 is on the minus strand). VCF-style: chr3-189972958-G-A. GRCh37 (hg19) VCF-style: chr3-189690747-G-A.
Other names: c.1072C>T, p.Arg358Ter (NM_001134418.2); short protein forms R358*, R539*.
Identifiers: ClinVar variation 1073361 (VCV001073361.6), dbSNP rs1384962507, ClinGen allele CA355753308.